The following is an entry in ClinVar:

ClinVar aggregate classification (germline): Uncertain significance. Review status: criteria provided, multiple submitters, no conflicts (2 of 4 stars). 2 submissions from 2 submitters: Uncertain significance (2). Last evaluated 2022-09-03.

Conditions:
Hereditary sensory and autonomic neuropathy type 7. Also called: HSAN VII; Neuropathy, hereditary sensory and autonomic, type VII. Identifiers: Orphanet 391397, MedGen C3809882, MONDO:0014244, OMIM 615548.
Familial episodic pain syndrome with predominantly lower limb involvement. Also called: Episodic pain syndrome, familial, 3. Identifiers: Orphanet 391384, Orphanet 391392, MedGen C3809899, MONDO:0014247, OMIM 615552.
Inborn genetic diseases. Identifiers: MedGen C0950123, MeSH D030342.

Allele frequency attached by ClinVar (database versions not stated): gnomAD exomes 0.00001; TOPMed 0.00001.
gnomAD v4.1: 7 of 1,611,258 alleles (0.00043%); highest among the groups gnomAD compares: Non-Finnish European, 0.00059%; no homozygotes.

Submissions (2):

Labcorp Genetics (formerly Invitae), Labcorp
Classification: Uncertain significance for Familial episodic pain syndrome with predominantly lower limb involvement; Hereditary sensory and autonomic neuropathy type 7. Last evaluated: 2022-09-03. Review status: criteria provided, single submitter. Criteria: Invitae Variant Classification Sherloc (09022015). Collection method: clinical testing. Allele origin: germline.
Comment: This variant has not been reported in the literature in individuals affected with SCN11A-related conditions. In summary, the available evidence is currently insufficient to determine the role of this variant in disease. Therefore, it has been classified as a Variant of Uncertain Significance. Algorithms developed to predict the effect of missense changes on protein structure and function output the following: SIFT: "Deleterious"; PolyPhen-2: "Benign"; Align-GVGD: "Class C25". The valine amino acid residue is found in multiple mammalian species, which suggests that this missense change does not adversely affect protein function. ClinVar contains an entry for this variant (Variation ID: 649992). This variant is not present in population databases (gnomAD no frequency). This sequence change replaces isoleucine, which is neutral and non-polar, with valine, which is neutral and non-polar, at codon 123 of the SCN11A protein (p.Ile123Val).

Ambry Genetics
Classification: Uncertain significance for Inborn genetic diseases. Last evaluated: 2019-10-15. Review status: criteria provided, single submitter. Criteria: Ambry Variant Classification Scheme 2023. Collection method: clinical testing. Allele origin: germline.
Comment: The p.I123V variant (also known as c.367A>G), located in coding exon 2 of the SCN11A gene, results from an A to G substitution at nucleotide position 367. The isoleucine at codon 123 is replaced by valine, an amino acid with highly similar properties. This amino acid position is well conserved in available vertebrate species. In addition, the in silico prediction for this alteration is inconclusive. Since supporting evidence is limited at this time, the clinical significance of this alteration remains unclear.

NM_001349253.2(SCN11A):c.367A>G (p.Ile123Val)

Gene: SCN11A (sodium voltage-gated channel alpha subunit 11; minus strand). Cytogenetic location: 3p22.2.
Variant type: single nucleotide variant.
Coding change: c.367A>G on transcript NM_001349253.2 (MANE Select); coding-DNA position 367, A replaced by G.
Protein change: p.Ile123Val; replaces isoleucine 123 with valine.
Molecular consequence: missense variant.
Genome position (GRCh38, 1-based): chr3:38,946,808, T>C on the plus strand (A>G on the coding strand, the complement: SCN11A is on the minus strand). VCF-style: chr3-38946808-T-C. GRCh37 (hg19) VCF-style: chr3-38988299-T-C.
Other names: c.367A>G, p.Ile123Val (NM_014139.3); short protein forms I123V.
Identifiers: ClinVar variation 649992 (VCV000649992.7), dbSNP rs899219448, ClinGen allele CA72991696.